The following is an entry in ClinVar:

NM_002968.3(SALL1):c.2125A>T (p.Ile709Phe)

Gene: SALL1 (spalt like transcription factor 1; minus strand). Cytogenetic location: 16q12.1.
Variant type: single nucleotide variant.
Coding change: c.2125A>T on transcript NM_002968.3 (MANE Select); coding-DNA position 2125, A replaced by T.
Protein change: p.Ile709Phe; replaces isoleucine 709 with phenylalanine.
Molecular consequence: missense variant.
Genome position (GRCh38, 1-based): chr16:51,140,097, T>A on the plus strand (A>T on the coding strand, the complement: SALL1 is on the minus strand). VCF-style: chr16-51140097-T-A. GRCh37 (hg19) VCF-style: chr16-51174008-T-A.
Other names: c.1834A>T, p.Ile612Phe (NM_001127892.2); short protein forms I709F, I612F.
Identifiers: ClinVar variation 3892345 (VCV003892345.6).

ClinVar aggregate classification (germline): Uncertain significance. Review status: criteria provided, multiple submitters, no conflicts (2 of 4 stars). 2 submissions from 2 submitters: Uncertain significance (2). Last evaluated 2025-12-01.

Conditions:
Townes-Brocks syndrome 1 (TBS1). Also called: DEAFNESS, SENSORINEURAL, WITH IMPERFORATE ANUS AND THUMB ANOMALIES; REAR SYNDROME; RENAL-EAR-ANAL-RADIAL SYNDROME; SALL1-Related Townes-Brocks Syndrome. Identifiers: Orphanet 857, MedGen C4551481, MONDO:0054581, OMIM 107480.

Submissions (2):

CeGaT Center for Human Genetics Tuebingen
Classification: Uncertain significance. Last evaluated: 2025-12-01. Review status: criteria provided, single submitter. Criteria: CeGaT Center For Human Genetics Tuebingen Variant Classification Criteria Version 2. Collection method: clinical testing. Allele origin: germline. Affected: yes. Observed: 1 variant allele.
Comment: SALL1: PM2, BP4

Department of Pathology and Laboratory Medicine, Sinai Health System
Classification: Uncertain significance for Townes-Brocks syndrome 1. Last evaluated: 2020-05-29. Review status: criteria provided, single submitter. Criteria: ACMG Guidelines, 2015. Collection method: research. Allele origin: germline.